The following is an entry in ClinVar:

NM_024298.5(MBOAT7):c.1126G>A (p.Glu376Lys)

Gene: MBOAT7 (membrane bound acylglycerophosphatidylinositol O-acyltransferase MBOAT7; minus strand). Cytogenetic location: 19q13.42.
Variant type: single nucleotide variant.
Coding change: c.1126G>A on transcript NM_024298.5 (MANE Select); coding-DNA position 1126, G replaced by A.
Protein change: p.Glu376Lys; replaces glutamic acid 376 with lysine.
Molecular consequence: missense variant.
Genome position (GRCh38, 1-based): chr19:54,174,337, C>T on the plus strand (G>A on the coding strand, the complement: MBOAT7 is on the minus strand). VCF-style: chr19-54174337-C-T. GRCh37 (hg19) VCF-style: chr19-54678031-C-T.
Other names: c.907G>A, p.Glu303Lys (NM_001146056.3, NM_001146083.3); short protein forms E376K, E303K.
Identifiers: ClinVar variation 546854 (VCV000546854.49), dbSNP rs758805684, ClinGen allele CA309345278.
Genomic context (GRCh38, chr19:54,174,337, plus strand): 5'-CCCAGGCCTTCTGGCCCCCTGGGCTCAGCCGCCCCCGCAGGGCTGACTCCAGCCGGCCCT[C>T]GGCAGCCAGGCACAGCGGGATGGTCAGGAAGCTCAGGTAGTAGCCCGGGTGGAGGCCGTG-3'
Protein context (NP_077274.3, residues 366-386): FLTIPLCLAA[Glu376Lys]GRLESALRGR

ClinVar aggregate classification (germline): Uncertain significance. Review status: criteria provided, multiple submitters, no conflicts (2 of 4 stars). 4 submissions from 4 submitters: Uncertain significance (4). Last evaluated 2020-12-18.

Conditions:
Intellectual developmental disorder, autosomal recessive 57. Also called: Intellectual disability, autosomal recessive 57. Identifiers: MedGen C4310673, MONDO:0014962, OMIM 617188.

Allele frequency attached by ClinVar (database versions not stated): gnomAD 0.00002; TOPMed 0.00001; gnomAD exomes 0.00002 and 0.00003; ExAC 0.00004.
gnomAD v4.1: 27 of 1,612,954 alleles (0.0017%); highest among the groups gnomAD compares: South Asian, 0.013%; no homozygotes.

Submissions (4):

Baylor Genetics
Classification: Uncertain significance for Intellectual developmental disorder, autosomal recessive 57. Last evaluated: 2020-12-18. Review status: criteria provided, single submitter. Criteria: ACMG Guidelines, 2015. Collection method: clinical testing. Allele origin: unknown. Affected: yes.
Comment: This variant was determined to be of uncertain significance according to ACMG Guidelines, 2015 [PMID:25741868].

Revvity Omics, Revvity
Classification: Uncertain significance for Intellectual developmental disorder, autosomal recessive 57. Last evaluated: 2020-10-16. Review status: criteria provided, single submitter. Criteria: ACMG Guidelines, 2015. Collection method: clinical testing. Allele origin: germline.

GeneDx
Classification: Uncertain significance. Last evaluated: 2020-06-24. Review status: criteria provided, single submitter. Criteria: GeneDx Variant Classification Process June 2021. Collection method: clinical testing. Allele origin: germline. Affected: yes.
Comment: In silico analysis supports that this missense variant has a deleterious effect on protein structure/function; This variant is associated with the following publications: (PMID: 30701556)

CeGaT Center for Human Genetics Tuebingen
Classification: Uncertain significance. Last evaluated: 2019-11-01. Review status: criteria provided, single submitter. Criteria: CeGaT Center For Human Genetics Tuebingen Variant Classification Criteria Version 2. Collection method: clinical testing. Allele origin: germline. Affected: yes. Observed: 2 variant alleles.